The following is an entry in ClinVar:

ClinVar aggregate classification (germline): Pathogenic. Review status: criteria provided, multiple submitters, no conflicts (2 of 4 stars). 4 submissions from 4 submitters: Pathogenic (3). 1 of the submissions does not count toward it. Last evaluated 2025-07-29.

Conditions:
Neurofibromatosis, type 1 (NF1). Also called: Peripheral type neurofibromatosis; Neurofibromatosis, type I; NEUROFIBROMATOSIS, TYPE I, SOMATIC; VON RECKLINGHAUSEN DISEASE. Identifiers: Orphanet 636, MedGen C0027831, MONDO:0018975, OMIM 162200. Disease mechanism: loss of function.
Malignant tumor of urinary bladder. Also called: Urinary Bladder Neoplasms; Bladder cancer; Urinary bladder cancer. Identifiers: MedGen C0005684, MONDO:0001187, OMIM 109800.

Submissions (4):

Labcorp Genetics (formerly Invitae), Labcorp
Classification: Pathogenic for Neurofibromatosis, type 1. Last evaluated: 2025-07-29. Review status: criteria provided, single submitter. Criteria: Invitae Variant Classification Sherloc (09022015). Collection method: clinical testing. Allele origin: germline.
Comment: This sequence change creates a premature translational stop signal (p.Gln1218*) in the NF1 gene. It is expected to result in an absent or disrupted protein product. Loss-of-function variants in NF1 are known to be pathogenic (PMID: 10712197, 23913538). This variant is not present in population databases (gnomAD no frequency). This variant has not been reported in the literature in individuals affected with NF1-related conditions. ClinVar contains an entry for this variant (Variation ID: 1912846). For these reasons, this variant has been classified as Pathogenic.

Department of Medical Genetics, International Peace Maternity and Child Health Hospital, Shanghai Jiao Tong University School of Medicine
Classification: Pathogenic for Neurofibromatosis, type 1. Last evaluated: 2025-03-22. Review status: criteria provided, single submitter. Criteria: ACMG Guidelines, 2015. Collection method: clinical testing. Allele origin: de novo. Affected: yes.
Comment: Loss-of-function variants in NF1 are known to be pathogenic (PMID: 10712197, 23913538), so this variant has been classified as Pathogenic.

GeneDx
Classification: Pathogenic. Last evaluated: 2023-04-05. Review status: criteria provided, single submitter. Criteria: GeneDx Variant Classification Process June 2021. Collection method: clinical testing. Allele origin: germline. Affected: yes.
Comment: Nonsense variant predicted to result in protein truncation or nonsense mediated decay in a gene for which loss of function is a known mechanism of disease; Not observed at significant frequency in large population cohorts (gnomAD); Has not been previously published as pathogenic or benign to our knowledge; This variant is associated with the following publications: (PMID: 10712197, 23913538, 26214590, 35552752)

Laboratory of Urology, Hospital Clinic de Barcelona
Classification: Pathogenic for Malignant tumor of urinary bladder. Review status: no assertion criteria provided. Collection method: research. Allele origin: somatic. Affected: yes. Not counted in ClinVar's aggregate classification.

Literature cited by the submitters: PubMed 10712197 (cited by Labcorp Genetics (formerly Invitae), Labcorp and Department of Medical Genetics, International Peace Maternity and Child Health Hospital, Shanghai Jiao Tong University School of Medicine); PubMed 23913538 (cited by Labcorp Genetics (formerly Invitae), Labcorp and Department of Medical Genetics, International Peace Maternity and Child Health Hospital, Shanghai Jiao Tong University School of Medicine).

NM_001042492.3(NF1):c.3652C>T (p.Gln1218Ter)

Gene: NF1 (neurofibromin 1; plus strand). Cytogenetic location: 17q11.2.
Variant type: single nucleotide variant.
Coding change: c.3652C>T on transcript NM_001042492.3 (MANE Select); coding-DNA position 3652, C replaced by T.
Protein change: p.Gln1218Ter; replaces glutamine 1218 with a stop codon.
Molecular consequence: nonsense.
Genome position (GRCh38, 1-based): chr17:31,233,157, C>T. VCF-style: chr17-31233157-C-T. GRCh37 (hg19) VCF-style: chr17-29560175-C-T.
Other names: c.3652C>T, p.Gln1218Ter (NM_000267.4); short protein forms Q1218*.
Identifiers: ClinVar variation 1912846 (VCV001912846.7), dbSNP rs2508240305, ClinGen allele CA398990470.